The following is an entry in ClinVar:

ClinVar aggregate classification (germline): Conflicting classifications of pathogenicity. Review status: criteria provided, conflicting classifications (1 of 4 stars). 2 submissions from 2 submitters: Uncertain significance (1); Likely benign (1). Last evaluated 2024-01-19.

Conditions:
Inborn genetic diseases. Identifiers: MedGen C0950123, MeSH D030342.
Intellectual developmental disorder, autosomal dominant 1. Also called: Intellectual disability, autosomal dominant 1; MBD5 Haploinsufficiency. Identifiers: Orphanet 228402, MedGen C1969562, MONDO:0007974, OMIM 156200.

gnomAD v4.1: 3 of 1,613,972 alleles (0.00019%); highest among the groups gnomAD compares: Admixed American, 0.0033%; no homozygotes.

Submissions (2):

Ambry Genetics
Classification: Likely benign for Inborn genetic diseases. Last evaluated: 2024-01-19. Review status: criteria provided, single submitter. Criteria: Ambry Variant Classification Scheme 2023. Collection method: clinical testing. Allele origin: germline.

Labcorp Genetics (formerly Invitae), Labcorp
Classification: Uncertain significance for Intellectual developmental disorder, autosomal dominant 1. Last evaluated: 2018-08-14. Review status: criteria provided, single submitter. Criteria: Invitae Variant Classification Sherloc (09022015). Collection method: clinical testing. Allele origin: germline.
Comment: This sequence change replaces threonine with isoleucine at codon 964 of the MBD5 protein (p.Thr964Ile). The threonine residue is highly conserved and there is a moderate physicochemical difference between threonine and isoleucine. In summary, the available evidence is currently insufficient to determine the role of this variant in disease. Therefore, it has been classified as a Variant of Uncertain Significance. This variant has not been reported in the literature in individuals with MBD5-related disease. This variant is not present in population databases (ExAC no frequency).

NM_001378120.1(MBD5):c.3590C>T (p.Thr1197Ile)

Gene: MBD5 (methyl-CpG binding domain protein 5; plus strand). Cytogenetic location: 2q23.1.
Variant type: single nucleotide variant.
Coding change: c.3590C>T on transcript NM_001378120.1 (MANE Select); coding-DNA position 3590, C replaced by T.
Protein change: p.Thr1197Ile; replaces threonine 1197 with isoleucine.
Molecular consequence: missense variant.
Genome position (GRCh38, 1-based): chr2:148,485,787, C>T. VCF-style: chr2-148485787-C-T. GRCh37 (hg19) VCF-style: chr2-149243356-C-T.
Other names: c.2891C>T, p.Thr964Ile (NM_018328.5); short protein forms T964I, T1197I.
Identifiers: ClinVar variation 654202 (VCV000654202.10), dbSNP rs750939401, ClinGen allele CA348724433.